The following is an entry in ClinVar:

ClinVar aggregate classification (germline): Likely benign. Review status: criteria provided, multiple submitters, no conflicts (2 of 4 stars). 2 submissions from 2 submitters: Likely benign (2). Last evaluated 2024-11-05.

Conditions:
BRAF-related disorder. Also called: BRAF-related condition.
RASopathy. Also called: rasopathies; Noonan spectrum disorder. Identifiers: Orphanet 536391, MedGen C5555857, MONDO:0021060.

Allele frequency attached by ClinVar (database versions not stated): gnomAD exomes below 0.00001; TOPMed below 0.00001.
gnomAD v4.1: 1 of 1,614,102 alleles (0.000062%); highest among the groups gnomAD compares: Non-Finnish European, 0.000085%; no homozygotes.

Submissions (2):

PreventionGenetics, part of Exact Sciences
Classification: Likely benign for BRAF-related condition. Last evaluated: 2024-11-05. Review status: criteria provided, single submitter. Criteria: ACMG Guidelines, 2015. Collection method: clinical testing. Allele origin: germline.
Comment: This variant is classified as likely benign based on ACMG/AMP sequence variant interpretation guidelines (Richards et al. 2015 PMID: 25741868, with internal and published modifications).

Labcorp Genetics (formerly Invitae), Labcorp
Classification: Likely benign for RASopathy. Last evaluated: 2022-01-15. Review status: criteria provided, single submitter. Criteria: Invitae Variant Classification Sherloc (09022015). Collection method: clinical testing. Allele origin: germline.

NM_004333.6(BRAF):c.1200T>A (p.Ala400=)

Gene: BRAF (B-Raf proto-oncogene, serine/threonine kinase; minus strand). Cytogenetic location: 7q34.
Variant type: single nucleotide variant.
Coding change: c.1200T>A on transcript NM_004333.6 (MANE Select); coding-DNA position 1200, T replaced by A.
Protein change: p.Ala400=; no amino-acid change (alanine 400 retained).
Molecular consequence: synonymous variant. On other transcripts: intron variant (2).
Genome position (GRCh38, 1-based): chr7:140,783,135, A>T on the plus strand (T>A on the coding strand, the complement: BRAF is on the minus strand). VCF-style: chr7-140783135-A-T. GRCh37 (hg19) VCF-style: chr7-140482935-A-T.
Other names: c.1200T>A, p.Ala400= (NM_001354609.2, NM_001378468.1, NM_001378474.1); c.1320T>A, p.Ala440= (NM_001374244.1, NM_001374258.1); c.1209T>A, p.Ala403= (NM_001378467.1); c.1098T>A, p.Ala366= (NM_001378470.1); c.1044T>A, p.Ala348= (NM_001378472.1, NM_001378473.1); c.936T>A, p.Ala312= (NM_001378475.1); c.1141-52T>A (NM_001378471.1); c.1178-44T>A (NM_001378469.1).
Identifiers: ClinVar variation 2083772 (VCV002083772.5), dbSNP rs1801040619, ClinGen allele CA458116223.